The following is an entry in ClinVar:

ClinVar aggregate classification (germline): Uncertain significance. Review status: criteria provided, multiple submitters, no conflicts (2 of 4 stars). 4 submissions from 4 submitters: Uncertain significance (4). Last evaluated 2024-10-31.

Conditions:
Developmental and epileptic encephalopathy, 42 (DEE42A). Also called: DEVELOPMENTAL AND EPILEPTIC ENCEPHALOPATHY 42A; EPILEPTIC ENCEPHALOPATHY, EARLY INFANTILE, 42A; Epileptic encephalopathy, early infantile, 42. Identifiers: MedGen C4310716, MONDO:0014917, OMIM 617106.
Episodic ataxia type 2 (EA2). Also called: ATAXIA, EPISODIC, WITH NYSTAGMUS; ATAXIA, FAMILIAL PAROXYSMAL; CEREBELLAR ATAXIA, PAROXYSMAL, ACETAZOLAMIDE-RESPONSIVE; CEREBELLOPATHY, HEREDITARY PAROXYSMAL; EPISODIC ATAXIA, NYSTAGMUS-ASSOCIATED; ACETAZOLAMIDE-RESPONSIVE HEREDITARY PAROXYSMAL CEREBELLAR ATAXIA. Identifiers: Orphanet 97, MedGen C1720416, MONDO:0007163, OMIM 108500.
Inborn genetic diseases. Identifiers: MedGen C0950123, MeSH D030342.
Spinocerebellar ataxia type 6 (SCA6). Identifiers: Orphanet 98758, MedGen C0752124, MONDO:0008457, OMIM 183086.
Migraine, familial hemiplegic, 1. Also called: MIGRAINE, FAMILIAL HEMIPLEGIC 1, WITH PROGRESSIVE CEREBELLAR ATAXIA. Identifiers: Orphanet 569, MedGen C1832884, MONDO:0020756, OMIM 141500, MONDO:0007714.

Allele frequency attached by ClinVar (database versions not stated): TOPMed below 0.00001.

Submissions (4):

Labcorp Genetics (formerly Invitae), Labcorp
Classification: Uncertain significance for Developmental and epileptic encephalopathy, 42; Episodic ataxia type 2. Last evaluated: 2024-10-31. Review status: criteria provided, single submitter. Criteria: Invitae Variant Classification Sherloc (09022015). Collection method: clinical testing. Allele origin: germline.
Comment: This sequence change replaces arginine, which is basic and polar, with glutamine, which is neutral and polar, at codon 1049 of the CACNA1A protein (p.Arg1049Gln). This variant is not present in population databases (gnomAD no frequency). This variant has not been reported in the literature in individuals affected with CACNA1A-related conditions. ClinVar contains an entry for this variant (Variation ID: 3136302). Invitae Evidence Modeling of protein sequence and biophysical properties (such as structural, functional, and spatial information, amino acid conservation, physicochemical variation, residue mobility, and thermodynamic stability) indicates that this missense variant is not expected to disrupt CACNA1A protein function with a negative predictive value of 95%. In summary, the available evidence is currently insufficient to determine the role of this variant in disease. Therefore, it has been classified as a Variant of Uncertain Significance.

Fulgent Genetics
Classification: Uncertain significance for Episodic ataxia type 2; Migraine, familial hemiplegic, 1; Spinocerebellar ataxia type 6; Developmental and epileptic encephalopathy, 42. Last evaluated: 2024-03-12. Review status: criteria provided, single submitter. Criteria: ACMG Guidelines, 2015. Collection method: clinical testing. Allele origin: germline.

Ambry Genetics
Classification: Uncertain significance for Inborn genetic diseases. Last evaluated: 2023-12-14. Review status: criteria provided, single submitter. Criteria: Ambry Variant Classification Scheme 2023. Collection method: clinical testing. Allele origin: germline.

Neuberg Centre For Genomic Medicine, NCGM
Classification: Uncertain significance for Developmental and epileptic encephalopathy, 42. Review status: criteria provided, single submitter. Criteria: ACMG Guidelines, 2015. Collection method: clinical testing. Allele origin: germline. Inheritance: Autosomal dominant inheritance. Affected: yes.
Comment: The missense variant c.3143G>A(p.Arg1048Gln) in the CACNA1A gene has not been reported previously as a pathogenic variant nor as a benign variant, to our knowledge. The variant is absent in gnomAD Exomes. The amino acid Arginine at position 1048 is changed to a Glutamine changing protein sequence and it might alter its composition and physico-chemical properties. Multiple lines of computational evidence (SIFT - Damaging and MutationTaster - Disease causing) predict a damaging effect on protein structure and function for this variant. The amino acid change p.Arg1048Gln in CACNA1A is predicted as conserved by GERP++ and PhyloP across 100 vertebrates. For these reasons, this variant has been classified as Uncertain Significance.

NM_001127222.2(CACNA1A):c.3143G>A (p.Arg1048Gln)

Gene: CACNA1A (calcium voltage-gated channel subunit alpha1 A; minus strand). Cytogenetic location: 19p13.13.
Variant type: single nucleotide variant.
Coding change: c.3143G>A on transcript NM_001127222.2 (MANE Select); coding-DNA position 3143, G replaced by A.
Protein change: p.Arg1048Gln; replaces arginine 1048 with glutamine.
Molecular consequence: missense variant.
Genome position (GRCh38, 1-based): chr19:13,286,913, C>T on the plus strand (G>A on the coding strand, the complement: CACNA1A is on the minus strand). VCF-style: chr19-13286913-C-T. GRCh37 (hg19) VCF-style: chr19-13397727-C-T.
Other names: c.3155G>A, p.Arg1052Gln (NM_000068.4, NM_023035.3); c.3146G>A, p.Arg1049Gln (NM_001127221.2, NM_001174080.2); short protein forms R1048Q, R1049Q, R1052Q.
Identifiers: ClinVar variation 3136302 (VCV003136302.5), dbSNP rs762820663, ClinGen allele CA305564418.